The following is an entry in ClinVar:

ClinVar aggregate classification (germline): Uncertain significance. Review status: criteria provided, multiple submitters, no conflicts (2 of 4 stars). 3 submissions from 3 submitters: Uncertain significance (2). 1 of the submissions does not count toward it. Last evaluated 2024-10-29.

Conditions:
SCP2-related disorder. Also called: SCP2-related condition.

Allele frequency attached by ClinVar (database versions not stated): gnomAD exomes below 0.00001.
gnomAD v4.1: 3 of 1,613,906 alleles (0.00019%); highest among the groups gnomAD compares: East Asian, 0.0022%; no homozygotes.

Submissions (3):

Ambry Genetics
Classification: Uncertain significance. Last evaluated: 2024-10-29. Review status: criteria provided, single submitter. Criteria: Ambry Variant Classification Scheme 2023. Collection method: clinical testing. Allele origin: germline.

Labcorp Genetics (formerly Invitae), Labcorp
Classification: Uncertain significance. Last evaluated: 2022-10-24. Review status: criteria provided, single submitter. Criteria: Invitae Variant Classification Sherloc (09022015). Collection method: clinical testing. Allele origin: germline.
Comment: In summary, the available evidence is currently insufficient to determine the role of this variant in disease. Therefore, it has been classified as a Variant of Uncertain Significance. Algorithms developed to predict the effect of missense changes on protein structure and function (SIFT, PolyPhen-2, Align-GVGD) all suggest that this variant is likely to be disruptive. ClinVar contains an entry for this variant (Variation ID: 1352769). This variant has not been reported in the literature in individuals affected with SCP2-related conditions. This variant is present in population databases (no rsID available, gnomAD 0.006%). This sequence change replaces glutamic acid, which is acidic and polar, with lysine, which is basic and polar, at codon 312 of the SCP2 protein (p.Glu312Lys).

PreventionGenetics, part of Exact Sciences
Classification: Uncertain significance for SCP2-related condition. Last evaluated: 2024-02-14. Review status: no assertion criteria provided. Collection method: clinical testing. Allele origin: germline. Not counted in ClinVar's aggregate classification.
Comment: The SCP2 c.934G>A variant is predicted to result in the amino acid substitution p.Glu312Lys. To our knowledge, this variant has not been reported in the literature. This variant is reported in 0.0054% of alleles in individuals of East Asian descent in gnomAD. At this time, the clinical significance of this variant is uncertain due to the absence of conclusive functional and genetic evidence.

NM_002979.5(SCP2):c.934G>A (p.Glu312Lys)

Gene: SCP2 (sterol carrier protein 2; plus strand). Cytogenetic location: 1p32.3.
Variant type: single nucleotide variant.
Coding change: c.934G>A on transcript NM_002979.5 (MANE Select); coding-DNA position 934, G replaced by A.
Protein change: p.Glu312Lys; replaces glutamic acid 312 with lysine.
Molecular consequence: missense variant.
Genome position (GRCh38, 1-based): chr1:52,980,504, G>A. VCF-style: chr1-52980504-G-A. GRCh37 (hg19) VCF-style: chr1-53446176-G-A.
Other names: c.802G>A, p.Glu268Lys (NM_001007098.3, NM_001193600.2); c.862G>A, p.Glu288Lys (NM_001193599.2); c.691G>A, p.Glu231Lys (NM_001193617.2); c.934G>A, p.Glu312Lys (NM_001330587.2); c.934G>A (NM_002979.4); short protein forms E231K, E312K, E268K, E288K.
Identifiers: ClinVar variation 1352769 (VCV001352769.9), dbSNP rs1442103564, ClinGen allele CA340382419.